The following is an entry in ClinVar:

ClinVar aggregate classification (germline): Uncertain significance. Review status: criteria provided, multiple submitters, no conflicts (2 of 4 stars). 3 submissions from 3 submitters: Uncertain significance (3). Last evaluated 2025-11-18.

Conditions:
DIAPH1-related disorder. Also called: DIAPH1-related condition.
Autosomal dominant nonsyndromic hearing loss 1. Also called: KONIGSMARK SYNDROME; DEAFNESS, AUTOSOMAL DOMINANT 1, WITH OR WITHOUT THROMBOCYTOPENIA. Identifiers: Orphanet 90635, MedGen C1852282, MONDO:0007424, OMIM 124900.
Progressive microcephaly-seizures-cortical blindness-developmental delay syndrome. Also called: Seizures, cortical blindness, and microcephaly syndrome. Identifiers: Orphanet 477814, MedGen C5567650, MONDO:0014714, OMIM 616632.

Allele frequency attached by ClinVar (database versions not stated): ExAC 0.00001; gnomAD exomes 0.00001.

Submissions (3):

PreventionGenetics, part of Exact Sciences
Classification: Uncertain significance for DIAPH1-related condition. Last evaluated: 2025-11-18. Review status: criteria provided, single submitter. Criteria: ACMG Guidelines, 2015. Collection method: clinical testing. Allele origin: germline.
Comment: The DIAPH1 c.814C>G variant is predicted to result in the amino acid substitution p.Pro272Ala. To our knowledge, this variant has not been reported in the literature. This variant is reported in 0.0087% of alleles in individuals of Latino descent in gnomAD. At this time, the clinical significance of this variant is uncertain due to the absence of conclusive functional and genetic evidence.

Labcorp Genetics (formerly Invitae), Labcorp
Classification: Uncertain significance for Progressive microcephaly-seizures-cortical blindness-developmental delay syndrome; Autosomal dominant nonsyndromic hearing loss 1. Last evaluated: 2024-10-13. Review status: criteria provided, single submitter. Criteria: Invitae Variant Classification Sherloc (09022015). Collection method: clinical testing. Allele origin: germline.
Comment: This sequence change replaces proline, which is neutral and non-polar, with alanine, which is neutral and non-polar, at codon 272 of the DIAPH1 protein (p.Pro272Ala). This variant is present in population databases (rs778493344, gnomAD 0.009%). This variant has not been reported in the literature in individuals affected with DIAPH1-related conditions. ClinVar contains an entry for this variant (Variation ID: 505416). Experimental studies and prediction algorithms are not available or were not evaluated, and the functional significance of this variant is currently unknown. In summary, the available evidence is currently insufficient to determine the role of this variant in disease. Therefore, it has been classified as a Variant of Uncertain Significance.

Laboratory for Molecular Medicine, Mass General Brigham Personalized Medicine
Classification: Uncertain significance. Last evaluated: 2017-05-16. Review status: criteria provided, single submitter. Criteria: LMM Criteria. Collection method: clinical testing. Allele origin: germline. Observed: 3 variant alleles.
Comment: The p.Pro272Ala variant in DIAPH1 has not been previously reported in individual s with hearing loss, but has been identified in 3/33580 Latino chromosomes by th e Genome Aggregation Database (gnomAD; dbSNP r s778493344). Computational prediction tools and conservation analysis do not pro vide strong support for or against an impact to the protein. In summary, the cli nical significance of the p.Pro272Ala variant is uncertain.

NM_005219.5(DIAPH1):c.814C>G (p.Pro272Ala)

Gene: DIAPH1 (diaphanous related formin 1; minus strand). Cytogenetic location: 5q31.3.
Variant type: single nucleotide variant.
Coding change: c.814C>G on transcript NM_005219.5 (MANE Select); coding-DNA position 814, C replaced by G.
Protein change: p.Pro272Ala; replaces proline 272 with alanine.
Molecular consequence: missense variant.
Genome position (GRCh38, 1-based): chr5:141,580,754, G>C on the plus strand (C>G on the coding strand, the complement: DIAPH1 is on the minus strand). VCF-style: chr5-141580754-G-C. GRCh37 (hg19) VCF-style: chr5-140960321-G-C.
Other names: c.787C>G, p.Pro263Ala (NM_001079812.3); c.814C>G, p.Pro272Ala (NM_001314007.2); short protein forms P263A, P272A.
Identifiers: ClinVar variation 505416 (VCV000505416.11), dbSNP rs778493344, ClinGen allele CA3479484.
Genomic context (GRCh38, chr5:141,580,754, plus strand): 5'-GAAAATGATAAAATTGAAAATGGAGAAGAAAAATTATTCCAGTCACATACATGTCCTCTG[G>C]CTGCGGTAGAATACAAAGAGCAGAAAGCAGCTTAGCTGCATCAATCATCATGTTGGGAAC-3'
Protein context (NP_005210.3, residues 262-282): LLSALCILPQ[Pro272Ala]EDMNERVLEA